The following is an entry in ClinVar:

NM_052854.4(CREB3L1):c.617C>T (p.Pro206Leu)

Gene: CREB3L1 (cAMP responsive element binding protein 3 like 1; plus strand). Cytogenetic location: 11p11.2.
Variant type: single nucleotide variant.
Coding change: c.617C>T on transcript NM_052854.4 (MANE Select); coding-DNA position 617, C replaced by T.
Protein change: p.Pro206Leu; replaces proline 206 with leucine.
Molecular consequence: missense variant.
Genome position (GRCh38, 1-based): chr11:46,311,053, C>T. VCF-style: chr11-46311053-C-T. GRCh37 (hg19) VCF-style: chr11-46332604-C-T.
Other names: short protein forms P206L.
Identifiers: ClinVar variation 2064313 (VCV002064313.2), dbSNP rs775343544, ClinGen allele CA5961642.

ClinVar aggregate classification (germline): Uncertain significance (1 of 4 stars; one submission).

Allele frequency attached by ClinVar (database versions not stated): gnomAD 0.00001; gnomAD exomes 0.00002; TOPMed 0.00002; ExAC 0.00003.
gnomAD v4.1: 25 of 1,605,670 alleles (0.0016%); highest among the groups gnomAD compares: Middle Eastern, 0.017%; no homozygotes.

Submission:

Labcorp Genetics (formerly Invitae), Labcorp
Classification: Uncertain significance. Last evaluated: 2023-05-22. Review status: criteria provided, single submitter. Criteria: Invitae Variant Classification Sherloc (09022015). Collection method: clinical testing. Allele origin: germline.
Comment: This sequence change replaces proline, which is neutral and non-polar, with leucine, which is neutral and non-polar, at codon 206 of the CREB3L1 protein (p.Pro206Leu). The frequency data for this variant in the population databases is considered unreliable, as metrics indicate poor data quality at this position in the gnomAD database. This variant has not been reported in the literature in individuals affected with CREB3L1-related conditions. ClinVar contains an entry for this variant (Variation ID: 2064313). Algorithms developed to predict the effect of missense changes on protein structure and function output the following: SIFT: "Not Available"; PolyPhen-2: "Benign"; Align-GVGD: "Not Available". The leucine amino acid residue is found in multiple mammalian species, which suggests that this missense change does not adversely affect protein function. In summary, the available evidence is currently insufficient to determine the role of this variant in disease. Therefore, it has been classified as a Variant of Uncertain Significance.